The following is an entry in ClinVar:

NM_000528.4(MAN2B1):c.1906C>T (p.Pro636Ser)

Gene: MAN2B1 (mannosidase alpha class 2B member 1; minus strand). Cytogenetic location: 19p13.13.
Variant type: single nucleotide variant.
Coding change: c.1906C>T on transcript NM_000528.4 (MANE Select); coding-DNA position 1906, C replaced by T.
Protein change: p.Pro636Ser; replaces proline 636 with serine.
Molecular consequence: missense variant.
Genome position (GRCh38, 1-based): chr19:12,652,385, G>A on the plus strand (C>T on the coding strand, the complement: MAN2B1 is on the minus strand). VCF-style: chr19-12652385-G-A. GRCh37 (hg19) VCF-style: chr19-12763199-G-A.
Other names: c.1903C>T, p.Pro635Ser (NM_001173498.2); short protein forms P635S, P636S.
Identifiers: ClinVar variation 964817 (VCV000964817.12), dbSNP rs141276889, ClinGen allele CA9226279.

ClinVar aggregate classification (germline): Conflicting classifications of pathogenicity. Review status: criteria provided, conflicting classifications (1 of 4 stars). 3 submissions from 3 submitters: Uncertain significance (1); Likely benign (1). 1 of the submissions does not count toward it. Last evaluated 2026-01-21.

Conditions:
Deficiency of alpha-mannosidase (MANSA). Also called: Mannosidosis, alpha-, types I and II; LYSOSOMAL ALPHA-D-MANNOSIDASE DEFICIENCY; Alpha-Mannosidosis. Identifiers: Orphanet 61, MedGen C0024748, MONDO:0009561, OMIM 248500.

Allele frequency attached by ClinVar (database versions not stated): gnomAD exomes 0.00002 and 0.00006; ExAC 0.00008; 1000 Genomes Project 30x 0.00016; 1000 Genomes Project 0.00020; ESP Exome Variant Server 0.00023; TOPMed 0.00028; gnomAD 0.00029 and 0.00030.
gnomAD v4.1: 112 of 1,614,084 alleles (0.0069%); highest among the groups gnomAD compares: African/African-American, 0.1%; 2 homozygotes.

Submissions (3):

Labcorp Genetics (formerly Invitae), Labcorp
Classification: Likely benign for Deficiency of alpha-mannosidase. Last evaluated: 2026-01-21. Review status: criteria provided, single submitter. Criteria: Invitae Variant Classification Sherloc (09022015). Collection method: clinical testing. Allele origin: germline.

GeneDx
Classification: Uncertain significance. Last evaluated: 2023-05-09. Review status: criteria provided, single submitter. Criteria: GeneDx Variant Classification Process June 2021. Collection method: clinical testing. Allele origin: germline. Affected: yes.
Comment: In silico analysis supports that this missense variant has a deleterious effect on protein structure/function; Has not been previously published as pathogenic or benign to our knowledge

Natera, Inc.
Classification: Uncertain significance for Alpha-mannosidosis. Last evaluated: 2020-02-13. Review status: no assertion criteria provided. Collection method: clinical testing. Allele origin: germline. Not counted in ClinVar's aggregate classification.